The following is an entry in ClinVar:

NM_000455.5(STK11):c.1082T>G (p.Ile361Ser)

Genes: STK11 (serine/threonine kinase 11; plus strand), LOC130062899 (ATAC-STARR-seq lymphoblastoid active region 13597; plus strand). Cytogenetic location: 19p13.3.
Variant type: single nucleotide variant.
Coding change: c.1082T>G on transcript NM_000455.5 (MANE Select); coding-DNA position 1082, T replaced by G.
Protein change: p.Ile361Ser; replaces isoleucine 361 with serine.
Molecular consequence: missense variant. On other transcripts: non-coding transcript variant (1).
Genome position (GRCh38, 1-based): chr19:1,223,146, T>G. VCF-style: chr19-1223146-T-G. GRCh37 (hg19) VCF-style: chr19-1223145-T-G.
Other names: c.1082T>G, p.Ile361Ser (NM_001407255.1); short protein forms I361S.
Identifiers: ClinVar variation 2705197 (VCV002705197.3), dbSNP rs2080797878, ClinGen allele CA402951913.

ClinVar aggregate classification (germline): Uncertain significance (1 of 4 stars; one submission).

Conditions:
Peutz-Jeghers syndrome (PJS). Also called: POLYPOSIS, HAMARTOMATOUS INTESTINAL; POLYPS-AND-SPOTS SYNDROME; Peutz-Jeghers polyposis; Periorificial lentiginosis syndrome. Identifiers: Orphanet 2869, MedGen C0031269, MeSH D010580, MONDO:0008280, OMIM 175200.

Submission:

Labcorp Genetics (formerly Invitae), Labcorp
Classification: Uncertain significance for Peutz-Jeghers syndrome. Last evaluated: 2025-04-28. Review status: criteria provided, single submitter. Criteria: Invitae Variant Classification Sherloc (09022015). Collection method: clinical testing. Allele origin: germline.
Comment: This sequence change replaces isoleucine, which is neutral and non-polar, with serine, which is neutral and polar, at codon 361 of the STK11 protein (p.Ile361Ser). This variant is not present in population databases (gnomAD no frequency). This variant has not been reported in the literature in individuals affected with STK11-related conditions. ClinVar contains an entry for this variant (Variation ID: 2705197). Invitae Evidence Modeling of protein sequence and biophysical properties (such as structural, functional, and spatial information, amino acid conservation, physicochemical variation, residue mobility, and thermodynamic stability) indicates that this missense variant is not expected to disrupt STK11 protein function with a negative predictive value of 95%. In summary, the available evidence is currently insufficient to determine the role of this variant in disease. Therefore, it has been classified as a Variant of Uncertain Significance.